The following is an entry in ClinVar:

ClinVar aggregate classification (germline): Pathogenic. Review status: criteria provided, multiple submitters, no conflicts (2 of 4 stars). 2 submissions from 2 submitters: Pathogenic (2). Last evaluated 2023-11-27.

Conditions:
Glycogen storage disease, type V (GSD5). Also called: McArdle type glycogen storage disease; MCARDLE DISEASE; MUSCLE GLYCOGEN PHOSPHORYLASE DEFICIENCY; MYOPHOSPHORYLASE DEFICIENCY; PYGM DEFICIENCY. Identifiers: Orphanet 368, MedGen C0017924, MONDO:0009293, OMIM 232600.

Submissions (2):

Labcorp Genetics (formerly Invitae), Labcorp
Classification: Pathogenic for Glycogen storage disease, type V. Last evaluated: 2023-11-27. Review status: criteria provided, single submitter. Criteria: Invitae Variant Classification Sherloc (09022015). Collection method: clinical testing. Allele origin: germline.
Comment: This sequence change creates a premature translational stop signal (p.Gln169*) in the PYGM gene. It is expected to result in an absent or disrupted protein product. Loss-of-function variants in PYGM are known to be pathogenic (PMID: 8316268, 16786513). This variant is not present in population databases (gnomAD no frequency). This variant has not been reported in the literature in individuals affected with PYGM-related conditions. For these reasons, this variant has been classified as Pathogenic.

Baylor Genetics
Classification: Pathogenic for Glycogen storage disease, type V. Last evaluated: 2022-11-17. Review status: criteria provided, single submitter. Criteria: ACMG Guidelines, 2015. Collection method: clinical testing. Allele origin: unknown.

Literature cited by the submitters: PubMed 8316268 (cited by Labcorp Genetics (formerly Invitae), Labcorp); PubMed 16786513 (cited by Labcorp Genetics (formerly Invitae), Labcorp).

NM_005609.4(PYGM):c.505C>T (p.Gln169Ter)

Gene: PYGM (glycogen phosphorylase, muscle associated; minus strand). Cytogenetic location: 11q13.1.
Variant type: single nucleotide variant.
Coding change: c.505C>T on transcript NM_005609.4 (MANE Select); coding-DNA position 505, C replaced by T.
Protein change: p.Gln169Ter; replaces glutamine 169 with a stop codon.
Molecular consequence: nonsense. On other transcripts: intron variant (1).
Genome position (GRCh38, 1-based): chr11:64,758,269, G>A on the plus strand (C>T on the coding strand, the complement: PYGM is on the minus strand). VCF-style: chr11-64758269-G-A. GRCh37 (hg19) VCF-style: chr11-64525741-G-A.
Other names: c.244-3C>T (NM_001164716.1); short protein forms Q169*.
Identifiers: ClinVar variation 2678141 (VCV002678141.4), dbSNP rs1278522566, ClinGen allele CA381108876.
Genomic context (GRCh38, chr11:64,758,269, plus strand): 5'-TGACTAGACCCCACAAGTTAGAGCCAAGGCTGCTCACCTGCCAGCCCCCGGAGATCTTCT[G>A]GTTAAAAATCCCAAACTCATAGCGAATCCCGTAGCCATAGGCGGCCAGGCCCAGTGTTGC-3'